The following is an entry in ClinVar:

ClinVar aggregate classification (germline): Likely pathogenic (1 of 4 stars; one submission).

Submission:

Labcorp Genetics (formerly Invitae), Labcorp
Classification: Likely pathogenic. Last evaluated: 2024-01-12. Review status: criteria provided, single submitter. Criteria: Invitae Variant Classification Sherloc (09022015). Collection method: clinical testing. Allele origin: germline.
Comment: This sequence change affects a donor splice site in intron 20 of the LAMC2 gene. It is expected to disrupt RNA splicing. Variants that disrupt the donor or acceptor splice site typically lead to a loss of protein function (PMID: 16199547), and loss-of-function variants in LAMC2 are known to be pathogenic (PMID: 11907499, 16473856). This variant is not present in population databases (gnomAD no frequency). This variant has not been reported in the literature in individuals affected with LAMC2-related conditions. Algorithms developed to predict the effect of sequence changes on RNA splicing suggest that this variant may disrupt the consensus splice site. In summary, the currently available evidence indicates that the variant is pathogenic, but additional data are needed to prove that conclusively. Therefore, this variant has been classified as Likely Pathogenic.

Literature cited by the submitters: PubMed 16199547; PubMed 11907499; PubMed 16473856.

NM_005562.3(LAMC2):c.3069+1G>A

Gene: LAMC2 (laminin subunit gamma 2; plus strand). Cytogenetic location: 1q25.3.
Variant type: single nucleotide variant.
Coding change: c.3069+1G>A on transcript NM_005562.3 (MANE Select); the canonical splice donor site of the intron after coding-DNA position 3069, G replaced by A.
Molecular consequence: splice donor variant.
Genome position (GRCh38, 1-based): chr1:183,239,564, G>A. VCF-style: chr1-183239564-G-A. GRCh37 (hg19) VCF-style: chr1-183208699-G-A.
Other names: c.3069+1G>A (NM_018891.3).
Identifiers: ClinVar variation 2709164 (VCV002709164.3), dbSNP rs1553267638, ClinGen allele CA343660058.